The following is an entry in ClinVar:

NM_004629.2(FANCG):c.1066C>T (p.Gln356Ter)

Gene: FANCG (FA complementation group G; minus strand). Cytogenetic location: 9p13.3.
Variant type: single nucleotide variant.
Coding change: c.1066C>T on transcript NM_004629.2 (MANE Select); coding-DNA position 1066, C replaced by T.
Protein change: p.Gln356Ter; replaces glutamine 356 with a stop codon.
Molecular consequence: nonsense.
Genome position (GRCh38, 1-based): chr9:35,076,442, G>A on the plus strand (C>T on the coding strand, the complement: FANCG is on the minus strand). VCF-style: chr9-35076442-G-A. GRCh37 (hg19) VCF-style: chr9-35076439-G-A.
Other names: short protein forms Q356*.
Identifiers: ClinVar variation 6715 (VCV000006715.21), dbSNP rs121434426, ClinGen allele CA253928.
Genomic context (GRCh38, chr9:35,076,442, plus strand): 5'-GAGGCATCAGAAGTGGGAAGAGAAGCTCAGGTGAGCAAGGGGAACCTCACCTCCCCGTCT[G>A]TAGGCACCTGCTTGCTAGTATGTGCTTGGTCTGGCTCTGAGTGCCACAATGAAGGGGTGA-3'

ClinVar aggregate classification (germline): Pathogenic. Review status: criteria provided, multiple submitters, no conflicts (2 of 4 stars). 7 submissions from 7 submitters: Pathogenic (5). 2 of the submissions do not count toward it. Last evaluated 2024-12-27.

Conditions:
Fanconi anemia (FA). Also called: Fanconi's anemia. Identifiers: Orphanet 84, MedGen C0015625, MeSH D005199, MONDO:0019391.
Fanconi anemia complementation group G. Also called: Fanconi anemia group G; FANCG-Related Fanconi Anemia. Identifiers: Orphanet 84, MedGen C3469527, MONDO:0013565, OMIM 614082.

Allele frequency attached by ClinVar (database versions not stated): gnomAD exomes below 0.00001 and 0.00001.
gnomAD v4.1: 7 of 1,614,058 alleles (0.00043%); highest among the groups gnomAD compares: East Asian, 0.011%; no homozygotes.

Submissions (7):

Natera, Inc.
Classification: Pathogenic for Fanconi anemia group G. Last evaluated: 2024-12-27. Review status: criteria provided, single submitter. Criteria: Natera Variant Classification Schema (03/2026). Collection method: clinical testing. Allele origin: germline.
Comment: The c.1066C>T variant in FANCG is a nonsense variant predicted to introduce a stop codon at amino acid 356. This variant is expected to result in nonsense mediated decay, truncation, or a dysfunctional protein product. This variant is rare in the general population with a frequency below the threshold expected for the associated phenotype(s). This variant has been observed in one or more individuals affected with the associated recessive disease, as either homozygous or compound heterozygous with a second variant (PMID: 30792206). Given the available evidence, this variant is classified as Pathogenic.

Labcorp Genetics (formerly Invitae), Labcorp
Classification: Pathogenic for Fanconi anemia. Last evaluated: 2024-01-17. Review status: criteria provided, single submitter. Criteria: Invitae Variant Classification Sherloc (09022015). Collection method: clinical testing. Allele origin: germline.
Comment: This sequence change creates a premature translational stop signal (p.Gln356*) in the FANCG gene. It is expected to result in an absent or disrupted protein product. Loss-of-function variants in FANCG are known to be pathogenic (PMID: 12552564). This variant is present in population databases (rs121434426, gnomAD 0.007%). This premature translational stop signal has been observed in individuals with FANCG-related conditions (PMID: 12673805, 25703136). ClinVar contains an entry for this variant (Variation ID: 6715). Algorithms developed to predict the effect of sequence changes on RNA splicing suggest that this variant may disrupt the consensus splice site. For these reasons, this variant has been classified as Pathogenic.

Baylor Genetics
Classification: Pathogenic for Fanconi anemia complementation group G. Last evaluated: 2023-09-01. Review status: criteria provided, single submitter. Criteria: ACMG Guidelines, 2015. Collection method: clinical testing. Allele origin: unknown.

Department of Maternal-Fetal Biology, National Research Institute for Child Health and Development
Classification: Pathogenic for Fanconi anemia complementation group G. Last evaluated: 2022-01-01. Review status: criteria provided, single submitter. Criteria: ACMG Guidelines, 2015. Collection method: research. Allele origin: paternal. Affected: yes. Observed: 1 variant allele.

Juno Genomics, Hangzhou Juno Genomics, Inc
Classification: Pathogenic for Fanconi anemia complementation group G. Review status: criteria provided, single submitter. Criteria: ACMG Guidelines, 2015. Collection method: clinical testing. Allele origin: germline.
Comment: Absent from controls (or at extremely low frequency if recessive) in Genome Aggregation Database.;Null variant in a gene where loss of function (LOF) is a known mechanism of disease.;For recessive disorders, detected in trans with a pathogenic variant.

Leiden Open Variation Database
Classification: Pathogenic for Fanconi anemia complementation group G. Last evaluated: 2011-02-07. Review status: no assertion criteria provided. Collection method: curation. Allele origin: germline. Affected: yes. Not counted in ClinVar's aggregate classification.
Comment: Curator: Arleen D. Auerbach. Submitter to LOVD: Arleen D. Auerbach.

OMIM
Classification: Pathogenic for FANCONI ANEMIA, COMPLEMENTATION GROUP G. Last evaluated: 2000-01-01. Review status: no assertion criteria provided. Collection method: literature only. Allele origin: germline. Not counted in ClinVar's aggregate classification.

Literature cited by the submitters: PubMed 30792206 (cited by Natera, Inc.); PubMed 12552564 (cited by Labcorp Genetics (formerly Invitae), Labcorp and Leiden Open Variation Database); PubMed 12673805 (cited by Labcorp Genetics (formerly Invitae), Labcorp); PubMed 25703136 (cited by Labcorp Genetics (formerly Invitae), Labcorp); PubMed 10807541 (cited by Leiden Open Variation Database and OMIM).